The following is an entry in ClinVar:

NM_001077418.3(TMEM231):c.-23C>T

Gene: TMEM231 (transmembrane protein 231; minus strand). Cytogenetic location: 16q23.1.
Variant type: single nucleotide variant.
Coding change: c.-23C>T on transcript NM_001077418.3 (MANE Select); 23 bases upstream of the start codon, C replaced by T.
Molecular consequence: 5 prime UTR variant. On other transcripts: missense variant (1), non-coding transcript variant (1).
Genome position (GRCh38, 1-based): chr16:75,556,232, G>A on the plus strand (C>T on the coding strand, the complement: TMEM231 is on the minus strand). VCF-style: chr16-75556232-G-A. GRCh37 (hg19) VCF-style: chr16-75590130-G-A.
Other names: c.40C>T, p.Arg14Trp (NM_001077416.2); short protein forms R14W.
Identifiers: ClinVar variation 1302473 (VCV001302473.2), dbSNP rs2151711299, ClinGen allele CA2573054273.

ClinVar aggregate classification (germline): Uncertain significance (1 of 4 stars; one submission).

gnomAD v4.1: 1 of 1,385,788 alleles (0.000072%); highest among the groups gnomAD compares: East Asian, 0.003%; no homozygotes.

Submission:

GeneDx
Classification: Uncertain significance. Last evaluated: 2019-05-16. Review status: criteria provided, single submitter. Criteria: GeneDx Variant Classification Process June 2021. Collection method: clinical testing. Allele origin: germline. Affected: yes.
Comment: Not observed in large population cohorts (Lek et al., 2016); In silico analysis, which includes protein predictors and evolutionary conservation, supports that this variant does not alter protein structure/function; Has not been previously published as pathogenic or benign to our knowledge